The following is an entry in ClinVar:

ClinVar aggregate classification (germline): Likely benign. Review status: criteria provided, multiple submitters, no conflicts (2 of 4 stars). 2 submissions from 2 submitters: Likely benign (2). Last evaluated 2025-05-01.

Allele frequency attached by ClinVar (database versions not stated): gnomAD exomes below 0.00001; gnomAD 0.00001; TOPMed 0.00001.
gnomAD v4.1: 6 of 1,614,106 alleles (0.00037%); highest among the groups gnomAD compares: Non-Finnish European, 0.00051%; no homozygotes.

Submissions (2):

CeGaT Center for Human Genetics Tuebingen
Classification: Likely benign. Last evaluated: 2025-05-01. Review status: criteria provided, single submitter. Criteria: CeGaT Center For Human Genetics Tuebingen Variant Classification Criteria Version 2. Collection method: clinical testing. Allele origin: germline. Affected: yes. Observed: 1 variant allele.
Comment: SLC7A14: BP4, BP7

Labcorp Genetics (formerly Invitae), Labcorp
Classification: Likely benign. Last evaluated: 2022-04-28. Review status: criteria provided, single submitter. Criteria: Invitae Variant Classification Sherloc (09022015). Collection method: clinical testing. Allele origin: germline.

NM_020949.3(SLC7A14):c.1020T>C (p.Ile340=)

Genes: SLC7A14 (solute carrier family 7 member 14; minus strand), SLC7A14-AS1 (SLC7A14 antisense RNA 1; plus strand). Cytogenetic location: 3q26.2.
Variant type: single nucleotide variant.
Coding change: c.1020T>C on transcript NM_020949.3 (MANE Select); coding-DNA position 1020, T replaced by C.
Protein change: p.Ile340=; no amino-acid change (isoleucine 340 retained).
Molecular consequence: synonymous variant.
Genome position (GRCh38, 1-based): chr3:170,483,409, A>G on the plus strand (T>C on the coding strand, the complement: SLC7A14 is on the minus strand). VCF-style: chr3-170483409-A-G. GRCh37 (hg19) VCF-style: chr3-170201198-A-G.
Identifiers: ClinVar variation 1561685 (VCV001561685.18), dbSNP rs1435418953, ClinGen allele CA436773829.